The following is an entry in ClinVar:

NM_003072.5(SMARCA4):c.4710T>C (p.Ser1570=)

Gene: SMARCA4 (SWI/SNF related BAF chromatin remodeling complex subunit ATPase 4; plus strand). Cytogenetic location: 19p13.2.
Variant type: single nucleotide variant.
Coding change: c.4710T>C on transcript NM_003072.5 (MANE Select); coding-DNA position 4710, T replaced by C.
Protein change: p.Ser1570=; no amino-acid change (serine 1570 retained).
Molecular consequence: synonymous variant. On other transcripts: non-coding transcript variant (1).
Genome position (GRCh38, 1-based): chr19:11,059,827, T>C. VCF-style: chr19-11059827-T-C. GRCh37 (hg19) VCF-style: chr19-11170503-T-C.
Other names: c.4710T>C, p.Ser1570= (NM_001128844.3); c.4620T>C, p.Ser1540= (NM_001128845.2); c.4617T>C, p.Ser1539= (NM_001128846.2); c.4611T>C, p.Ser1537= (NM_001128847.4, NM_001374457.1); c.4608T>C, p.Ser1536= (NM_001128848.2); c.4806T>C, p.Ser1602= (NM_001128849.3).
Identifiers: ClinVar variation 793202 (VCV000793202.14), dbSNP rs1600644236, ClinGen allele CA505495189.

ClinVar aggregate classification (germline): Benign/Likely benign. Review status: criteria provided, multiple submitters, no conflicts (2 of 4 stars). 3 submissions from 3 submitters: Benign (1); Likely benign (2). Last evaluated 2026-07-23.

Conditions:
Hereditary cancer-predisposing syndrome. Also called: Hereditary neoplastic syndrome; Neoplastic Syndromes, Hereditary; Tumor predisposition; Hereditary Cancer Syndrome. Identifiers: Orphanet 140162, MedGen C0027672, MeSH D009386, MONDO:0015356.
Rhabdoid tumor predisposition syndrome 2 (RTPS2). Identifiers: Orphanet 231108, Orphanet 69077, MedGen C2750074, MONDO:0013224, OMIM 613325.

Submissions (3):

Myriad Genetics, Inc.
Classification: Benign for Rhabdoid tumor predisposition syndrome 2. Last evaluated: 2026-07-23. Review status: criteria provided, single submitter. Criteria: Myriad Autosomal Dominant, Autosomal Recessive and X-Linked Classification Criteria (2023). Collection method: clinical testing. Allele origin: unknown.
Comment: This variant is considered benign. This variant is a silent/synonymous amino acid change and it is not expected to impact splicing.

Labcorp Genetics (formerly Invitae), Labcorp
Classification: Likely benign for Rhabdoid tumor predisposition syndrome 2. Last evaluated: 2025-07-30. Review status: criteria provided, single submitter. Criteria: Invitae Variant Classification Sherloc (09022015). Collection method: clinical testing. Allele origin: germline.

Ambry Genetics
Classification: Likely benign for Hereditary cancer-predisposing syndrome. Last evaluated: 2022-02-18. Review status: criteria provided, single submitter. Criteria: Ambry Variant Classification Scheme 2023. Collection method: clinical testing. Allele origin: germline.